The following is an entry in ClinVar:

NM_020975.6(RET):c.2451C>A (p.Arg817=)

Gene: RET (ret proto-oncogene; plus strand). Cytogenetic location: 10q11.21.
Variant type: single nucleotide variant.
Coding change: c.2451C>A on transcript NM_020975.6 (MANE Select); coding-DNA position 2451, C replaced by A.
Protein change: p.Arg817=; no amino-acid change (arginine 817 retained).
Molecular consequence: synonymous variant.
Genome position (GRCh38, 1-based): chr10:43,119,589, C>A. VCF-style: chr10-43119589-C-A. GRCh37 (hg19) VCF-style: chr10-43615037-C-A.
Other names: c.2451C>A, p.Arg817= (NM_000323.2, NM_001406743.1, NM_001406744.1 and 4 more transcripts); c.1689C>A, p.Arg563= (NM_001355216.2); c.2322C>A, p.Arg774= (NM_001406761.1, NM_001406762.1, NM_001406764.1); c.2316C>A, p.Arg772= (NM_001406763.1, NM_001406765.1); c.2163C>A, p.Arg721= (NM_001406766.1, NM_001406767.1, NM_001406770.1); c.2187C>A, p.Arg729= (NM_001406768.1); c.2055C>A, p.Arg685= (NM_001406769.1, NM_001406772.1); c.2013C>A, p.Arg671= (NM_001406771.1, NM_001406773.1); and 10 more.
Identifiers: ClinVar variation 1990005 (VCV001990005.6), dbSNP rs747894751, ClinGen allele CA039322.
Genomic context (GRCh38, chr10:43,119,589, plus strand): 5'-AGGCCCGCTCCTCCTCATCGTGGAGTACGCCAAATACGGCTCCCTGCGGGGCTTCCTCCG[C>A]GAGAGCCGCAAAGTGGGGCCTGGCTACCTGGGCAGTGGAGGCAGCCGCAACTCCAGCTCC-3'
Protein context (NP_066124.1, residues 807-827): AKYGSLRGFL[Arg817=]ESRKVGPGYL

ClinVar aggregate classification (germline): Benign/Likely benign. Review status: criteria provided, multiple submitters, no conflicts (2 of 4 stars). 3 submissions from 3 submitters: Benign (1); Likely benign (2). Last evaluated 2025-02-27.

Conditions:
Multiple endocrine neoplasia, type 2 (MEN2). Identifiers: Orphanet 653, MedGen C4048306, MONDO:0019003. Disease mechanism: gain of function.
Multiple endocrine neoplasia type 2A. Also called: MULTIPLE ENDOCRINE NEOPLASIA, TYPE IIA; PTC SYNDROME; SIPPLE SYNDROME; MEN 2A; MEN-2A syndrome; Pheochromocytoma and amyloid producing medullary thyroid carcinoma. Identifiers: Orphanet 247698, Orphanet 653, MedGen C0025268, MeSH D018813, MONDO:0008234, OMIM 171400.

Allele frequency attached by ClinVar (database versions not stated): gnomAD 0.00001; TOPMed 0.00001.
gnomAD v4.1: 1 of 1,611,670 alleles (0.000062%); highest among the groups gnomAD compares: African/African-American, 0.0013%; no homozygotes.

Submissions (3):

Myriad Genetics, Inc.
Classification: Benign for Multiple endocrine neoplasia type 2A. Last evaluated: 2025-02-27. Review status: criteria provided, single submitter. Criteria: Myriad Autosomal Dominant, Autosomal Recessive and X-Linked Classification Criteria (2023). Collection method: clinical testing. Allele origin: unknown.
Comment: This variant is considered benign. This variant is a silent/synonymous amino acid change and it is not expected to impact splicing.

Labcorp Genetics (formerly Invitae), Labcorp
Classification: Likely benign for Multiple endocrine neoplasia, type 2. Last evaluated: 2024-06-06. Review status: criteria provided, single submitter. Criteria: Invitae Variant Classification Sherloc (09022015). Collection method: clinical testing. Allele origin: germline.

All of Us Research Program, National Institutes of Health
Classification: Likely benign for Multiple endocrine neoplasia, type 2. Last evaluated: 2023-07-22. Review status: criteria provided, single submitter. Criteria: ACMG Guidelines, 2015. Collection method: clinical testing. Allele origin: germline. Inheritance: Autosomal dominant inheritance. Observed: 1 variant allele, 1 heterozygote.
Comment: This study involves interpretation of variants in research participants for the purpose of population health screening. Participant phenotype was not available at the time of variant classification. Additional details can be found in publication PMID: 35346344, PMCID: PMC8962531